The following is an entry in ClinVar:

NM_001080453.3(INTS1):c.844+10A>G

Gene: INTS1 (integrator complex subunit 1; minus strand). Cytogenetic location: 7p22.3.
Variant type: single nucleotide variant.
Coding change: c.844+10A>G on transcript NM_001080453.3 (MANE Select); 10 bases into the intron after coding-DNA position 844, A replaced by G.
Molecular consequence: intron variant.
Genome position (GRCh38, 1-based): chr7:1,499,463, T>C on the plus strand (A>G on the coding strand, the complement: INTS1 is on the minus strand). VCF-style: chr7-1499463-T-C. GRCh37 (hg19) VCF-style: chr7-1539099-T-C.
Identifiers: ClinVar variation 4880844 (VCV004880844.2).

ClinVar aggregate classification (germline): Uncertain significance (1 of 4 stars; one submission).

gnomAD v4.1: 1 of 1,511,094 alleles (0.000066%); no homozygotes.

Submission:

Dasa
Classification: Uncertain significance. Last evaluated: 2024-10-18. Review status: criteria provided, single submitter. Criteria: DASA Assertion Criteria. Collection method: clinical testing. Allele origin: germline.
Comment: NM_001080453.3(INTS1):c.844+10A>G is a splice-region variant. This variant is rare in population databases. Computational prediction algorithms are consistent with a benign effect. The currently available literature and clinical evidence are not sufficient to establish a definitive association between this variant and the reported condition. Therefore, this variant is classified as a variant of uncertain significance.